The following is an entry in ClinVar:

NM_005144.5(HR):c.943C>T (p.Pro315Ser)

Gene: HR (HR lysine demethylase and nuclear receptor corepressor; minus strand). Cytogenetic location: 8p21.3.
Variant type: single nucleotide variant.
Coding change: c.943C>T on transcript NM_005144.5 (MANE Select); coding-DNA position 943, C replaced by T.
Protein change: p.Pro315Ser; replaces proline 315 with serine.
Molecular consequence: missense variant.
Genome position (GRCh38, 1-based): chr8:22,127,499, G>A on the plus strand (C>T on the coding strand, the complement: HR is on the minus strand). VCF-style: chr8-22127499-G-A. GRCh37 (hg19) VCF-style: chr8-21985012-G-A.
Other names: c.943C>T, p.Pro315Ser (NM_018411.4); short protein forms P315S.
Identifiers: ClinVar variation 2171634 (VCV002171634.4), dbSNP rs757333928, ClinGen allele CA4662598.

ClinVar aggregate classification (germline): Uncertain significance (1 of 4 stars; one submission).

Allele frequency attached by ClinVar (database versions not stated): gnomAD exomes 0.00001; gnomAD 0.00002; TOPMed 0.00002; ExAC 0.00003.
gnomAD v4.1: 25 of 1,612,462 alleles (0.0016%); highest among the groups gnomAD compares: Middle Eastern, 0.033%; no homozygotes.

Submission:

Labcorp Genetics (formerly Invitae), Labcorp
Classification: Uncertain significance. Last evaluated: 2022-09-19. Review status: criteria provided, single submitter. Criteria: Invitae Variant Classification Sherloc (09022015). Collection method: clinical testing. Allele origin: germline.
Comment: In summary, the available evidence is currently insufficient to determine the role of this variant in disease. Therefore, it has been classified as a Variant of Uncertain Significance. Algorithms developed to predict the effect of missense changes on protein structure and function output the following: SIFT: "Deleterious"; PolyPhen-2: "Benign"; Align-GVGD: "Class C0". The serine amino acid residue is found in multiple mammalian species, which suggests that this missense change does not adversely affect protein function. This variant has not been reported in the literature in individuals affected with HR-related conditions. This variant is present in population databases (rs757333928, gnomAD 0.01%). This sequence change replaces proline, which is neutral and non-polar, with serine, which is neutral and polar, at codon 315 of the HR protein (p.Pro315Ser).